The following is an entry in ClinVar:

ClinVar aggregate classification (germline): Uncertain significance (1 of 4 stars; one submission).

Conditions:
Familial cancer of breast. Also called: hereditary breast carcinoma; BREAST CANCER, FAMILIAL; Hereditary breast cancer. Identifiers: Orphanet 227535, MedGen C0346153, MONDO:0016419, OMIM 114480. Disease mechanism: loss of function.

Submission:

Labcorp Genetics (formerly Invitae), Labcorp
Classification: Uncertain significance for Familial cancer of breast. Last evaluated: 2025-07-14. Review status: criteria provided, single submitter. Criteria: Invitae Variant Classification Sherloc (09022015). Collection method: clinical testing. Allele origin: germline.
Comment: This sequence change replaces leucine, which is neutral and non-polar, with phenylalanine, which is neutral and non-polar, at codon 333 of the CHEK2 protein (p.Leu333Phe). This variant is not present in population databases (gnomAD no frequency). This variant has not been reported in the literature in individuals affected with CHEK2-related conditions. ClinVar contains an entry for this variant (Variation ID: 3650760). An algorithm developed to predict the effect of missense changes on protein structure and function (PolyPhen-2) suggests that this variant is likely to be tolerated. In summary, the available evidence is currently insufficient to determine the role of this variant in disease. Therefore, it has been classified as a Variant of Uncertain Significance.

NM_007194.4(CHEK2):c.999G>C (p.Leu333Phe)

Gene: CHEK2 (checkpoint kinase 2; minus strand). Cytogenetic location: 22q12.1.
Variant type: single nucleotide variant.
Coding change: c.999G>C on transcript NM_007194.4 (MANE Select); coding-DNA position 999, G replaced by C.
Protein change: p.Leu333Phe; replaces leucine 333 with phenylalanine.
Molecular consequence: missense variant.
Genome position (GRCh38, 1-based): chr22:28,699,847, C>G on the plus strand (G>C on the coding strand, the complement: CHEK2 is on the minus strand). VCF-style: chr22-28699847-C-G. GRCh37 (hg19) VCF-style: chr22-29095835-C-G.
Other names: c.1128G>C, p.Leu376Phe (NM_001005735.3); c.336G>C, p.Leu112Phe (NM_001257387.3); c.798G>C, p.Leu266Phe (NM_001349956.3); c.999G>C, p.Leu333Phe (NM_145862.3); short protein forms L333F, L112F, L266F, L376F.
Identifiers: ClinVar variation 3650760 (VCV003650760.2).